The following is an entry in ClinVar:

NM_144997.7(FLCN):c.564C>G (p.Phe188Leu)

Gene: FLCN (folliculin; minus strand). Cytogenetic location: 17p11.2.
Variant type: single nucleotide variant.
Coding change: c.564C>G on transcript NM_144997.7 (MANE Select); coding-DNA position 564, C replaced by G.
Protein change: p.Phe188Leu; replaces phenylalanine 188 with leucine.
Molecular consequence: missense variant.
Genome position (GRCh38, 1-based): chr17:17,223,976, G>C on the plus strand (C>G on the coding strand, the complement: FLCN is on the minus strand). VCF-style: chr17-17223976-G-C. GRCh37 (hg19) VCF-style: chr17-17127290-G-C.
Other names: c.618C>G, p.Phe206Leu (NM_001353229.2); c.564C>G, p.Phe188Leu (NM_001353230.2, NM_001353231.2, NM_144606.7); short protein forms F206L, F188L.
Identifiers: ClinVar variation 4775167 (VCV004775167.1).

ClinVar aggregate classification (germline): Uncertain significance (1 of 4 stars; one submission).

Conditions:
Birt-Hogg-Dube syndrome. Also called: Birt Hogg Dubé syndrome. Identifiers: Orphanet 122, MedGen C0346010, MONDO:0800444.

Submission:

Labcorp Genetics (formerly Invitae), Labcorp
Classification: Uncertain significance for Birt-Hogg-Dube syndrome. Last evaluated: 2025-05-17. Review status: criteria provided, single submitter. Criteria: Invitae Variant Classification Sherloc (09022015). Collection method: clinical testing. Allele origin: germline.
Comment: This sequence change replaces phenylalanine, which is neutral and non-polar, with leucine, which is neutral and non-polar, at codon 188 of the FLCN protein (p.Phe188Leu). This variant is not present in population databases (gnomAD no frequency). This variant has not been reported in the literature in individuals affected with FLCN-related conditions. Invitae Evidence Modeling of protein sequence and biophysical properties (such as structural, functional, and spatial information, amino acid conservation, physicochemical variation, residue mobility, and thermodynamic stability) indicates that this missense variant is expected to disrupt FLCN protein function with a positive predictive value of 80%. In summary, the available evidence is currently insufficient to determine the role of this variant in disease. Therefore, it has been classified as a Variant of Uncertain Significance.